The following is an entry in ClinVar:

ClinVar aggregate classification (germline): Uncertain significance (1 of 4 stars; one submission).

Conditions:
Hereditary cancer-predisposing syndrome. Also called: Neoplastic Syndromes, Hereditary; Tumor predisposition; Hereditary neoplastic syndrome; Hereditary Cancer Syndrome. Identifiers: Orphanet 140162, MedGen C0027672, MeSH D009386, MONDO:0015356.

Submission:

Ambry Genetics
Classification: Uncertain significance for Hereditary cancer-predisposing syndrome. Last evaluated: 2019-03-11. Review status: criteria provided, single submitter. Criteria: Ambry Variant Classification Scheme 2023. Collection method: clinical testing. Allele origin: germline.
Comment: The p.V175F variant (also known as c.523G>T), located in coding exon 3 of the TMEM127 gene, results from a G to T substitution at nucleotide position 523. The valine at codon 175 is replaced by phenylalanine, an amino acid with highly similar properties. This amino acid position is highly conserved through mammals but not in all available vertebrate species. In addition, this alteration is predicted to be deleterious by in silico analysis. Since supporting evidence is limited at this time, the clinical significance of this alteration remains unclear.

NM_017849.4(TMEM127):c.523G>T (p.Val175Phe)

Gene: TMEM127 (transmembrane protein 127; minus strand). Cytogenetic location: 2q11.2.
Variant type: single nucleotide variant.
Coding change: c.523G>T on transcript NM_017849.4 (MANE Select); coding-DNA position 523, G replaced by T.
Protein change: p.Val175Phe; replaces valine 175 with phenylalanine.
Molecular consequence: missense variant.
Genome position (GRCh38, 1-based): chr2:96,254,002, C>A on the plus strand (G>T on the coding strand, the complement: TMEM127 is on the minus strand). VCF-style: chr2-96254002-C-A. GRCh37 (hg19) VCF-style: chr2-96919740-C-A.
Other names: c.523G>T, p.Val175Phe (NM_001193304.3); short protein forms V175F.
Identifiers: ClinVar variation 825582 (VCV000825582.4), dbSNP rs149034651, ClinGen allele CA347652551.